The following is an entry in ClinVar:

ClinVar aggregate classification (germline): Uncertain significance. Review status: criteria provided, multiple submitters, no conflicts (2 of 4 stars). 2 submissions from 2 submitters: Uncertain significance (2). Last evaluated 2024-08-26.

Conditions:
Inborn genetic diseases. Identifiers: MedGen C0950123, MeSH D030342.

Allele frequency attached by ClinVar (database versions not stated): TOPMed 0.00001; gnomAD 0.00002.
gnomAD v4.1: 3 of 1,599,186 alleles (0.00019%); highest among the groups gnomAD compares: African/African-American, 0.0041%; no homozygotes.

Submissions (2):

Ambry Genetics
Classification: Uncertain significance for Inborn genetic diseases. Last evaluated: 2024-08-26. Review status: criteria provided, single submitter. Criteria: Ambry Variant Classification Scheme 2023. Collection method: clinical testing. Allele origin: germline.

Labcorp Genetics (formerly Invitae), Labcorp
Classification: Uncertain significance. Last evaluated: 2022-07-06. Review status: criteria provided, single submitter. Criteria: Invitae Variant Classification Sherloc (09022015). Collection method: clinical testing. Allele origin: germline.
Comment: This sequence change replaces cysteine, which is neutral and slightly polar, with glycine, which is neutral and non-polar, at codon 73 of the CAD protein (p.Cys73Gly). This variant is present in population databases (no rsID available, gnomAD 0.01%). This variant has not been reported in the literature in individuals affected with CAD-related conditions. Algorithms developed to predict the effect of missense changes on protein structure and function (SIFT, PolyPhen-2, Align-GVGD) all suggest that this variant is likely to be tolerated. In summary, the available evidence is currently insufficient to determine the role of this variant in disease. Therefore, it has been classified as a Variant of Uncertain Significance.

NM_004341.5(CAD):c.217T>G (p.Cys73Gly)

Gene: CAD (carbamoyl-phosphate synthetase 2, aspartate transcarbamylase, and dihydroorotase; plus strand). Cytogenetic location: 2p23.3.
Variant type: single nucleotide variant.
Coding change: c.217T>G on transcript NM_004341.5 (MANE Select); coding-DNA position 217, T replaced by G.
Protein change: p.Cys73Gly; replaces cysteine 73 with glycine.
Molecular consequence: missense variant.
Genome position (GRCh38, 1-based): chr2:27,218,011, T>G. VCF-style: chr2-27218011-T-G. GRCh37 (hg19) VCF-style: chr2-27440879-T-G.
Other names: c.217T>G, p.Cys73Gly (NM_001306079.2); c.217T>G (NM_004341.3); short protein forms C73G.
Identifiers: ClinVar variation 2060217 (VCV002060217.2), dbSNP rs1334933732, ClinGen allele CA346196478.